The following is an entry in ClinVar:

NM_000059.4(BRCA2):c.4733T>G (p.Leu1578Ter)

Gene: BRCA2 (BRCA2 DNA repair associated; plus strand). Cytogenetic location: 13q13.1.
Variant type: single nucleotide variant.
Coding change: c.4733T>G on transcript NM_000059.4 (MANE Select); coding-DNA position 4733, T replaced by G.
Protein change: p.Leu1578Ter; replaces leucine 1578 with a stop codon.
Molecular consequence: nonsense.
Genome position (GRCh38, 1-based): chr13:32,339,088, T>G. VCF-style: chr13-32339088-T-G. GRCh37 (hg19) VCF-style: chr13-32913225-T-G.
Other names: short protein forms L1578*.
Identifiers: ClinVar variation 1332800 (VCV001332800.7), dbSNP rs2137509604, ClinGen allele CA387783030.

ClinVar aggregate classification (germline): Pathogenic/Likely pathogenic. Review status: criteria provided, multiple submitters, no conflicts (2 of 4 stars). 3 submissions from 3 submitters: Pathogenic (2); Likely pathogenic (1). Last evaluated 2024-12-05.

Conditions:
Breast-ovarian cancer, familial, susceptibility to, 2 (BROVCA2). Also called: BRCA2 Hereditary Breast and Ovarian Cancer. Identifiers: Orphanet 145, MedGen C2675520, MONDO:0012933, OMIM 612555. Disease mechanism: loss of function.
Fanconi anemia complementation group D1. Also called: BRCA2-Related Fanconi Anemia. Identifiers: Orphanet 319462, MedGen C1838457, MONDO:0011584, OMIM 605724.
Hereditary breast ovarian cancer syndrome. Also called: Breast and ovarian cancer; Hereditary breast and ovarian cancer; BRCA1- and BRCA2-Associated Hereditary Breast and Ovarian Cancer; Hereditary breast and ovarian cancer syndrome (HBOC); Hereditary breast and/or ovarian cancer syndrome; Hereditary breast and ovarian cancer syndrome. Identifiers: Orphanet 145, MedGen C0677776, MeSH D061325, MONDO:0003582. Disease mechanism: loss of function.

Submissions (3):

Molecular Pathology, Peter Maccallum Cancer Centre
Classification: Pathogenic for Breast-ovarian cancer, familial, susceptibility to, 2. Last evaluated: 2024-12-05. Review status: criteria provided, single submitter. Criteria: ACMG Guidelines, 2015. Collection method: clinical testing. Allele origin: germline. Inheritance: Autosomal dominant inheritance.

Labcorp Genetics (formerly Invitae), Labcorp
Classification: Pathogenic for Hereditary breast ovarian cancer syndrome. Last evaluated: 2022-02-01. Review status: criteria provided, single submitter. Criteria: Invitae Variant Classification Sherloc (09022015). Collection method: clinical testing. Allele origin: germline.
Comment: This sequence change creates a premature translational stop signal (p.Leu1578*) in the BRCA2 gene. It is expected to result in an absent or disrupted protein product. Loss-of-function variants in BRCA2 are known to be pathogenic (PMID: 20104584). This variant is not present in population databases (gnomAD no frequency). This variant has not been reported in the literature in individuals affected with BRCA2-related conditions. ClinVar contains an entry for this variant (Variation ID: 1332800). For these reasons, this variant has been classified as Pathogenic.

Kasturba Medical College, Manipal, Kasturba Medical College, Manipal, Manipal Academy of Higher Education, Manipal, India
Classification: Likely pathogenic for Fanconi anemia complementation group D1. Review status: criteria provided, single submitter. Criteria: ACMG Guidelines, 2015. Collection method: research. Allele origin: inherited. Affected: yes.

Literature cited by the submitters: PubMed 20104584 (cited by Labcorp Genetics (formerly Invitae), Labcorp).